The following is an entry in ClinVar:

NM_006092.4(NOD1):c.2285+118C>T

Gene: NOD1 (nucleotide binding oligomerization domain containing 1; minus strand). Cytogenetic location: 7p14.3.
Variant type: single nucleotide variant.
Coding change: c.2285+118C>T on transcript NM_006092.4 (MANE Select); 118 bases into the intron after coding-DNA position 2285, C replaced by T.
Molecular consequence: intron variant.
Genome position (GRCh38, 1-based): chr7:30,448,180, G>A on the plus strand (C>T on the coding strand, the complement: NOD1 is on the minus strand). VCF-style: chr7-30448180-G-A. GRCh37 (hg19) VCF-style: chr7-30487796-G-A.
Other names: c.2285+118C>T (NM_001354849.2).
Identifiers: ClinVar variation 103097 (VCV000103097.2), dbSNP rs199476269, ClinGen allele CA230114.
Genomic context (GRCh38, chr7:30,448,180, plus strand): 5'-AAGACTTCATGACTGGCCGAGCCACAAAGAGAACCCAGGACTCTCAACTCCTGGGCCAGC[G>A]CTCTTCCCAGCCCTGGGCCATCCGTGCCGATCATCCAGGGACCTATGGGAATGTGAATTC-3'

ClinVar aggregate classification (germline): not provided (0 of 4 stars; one submission).

Allele frequency attached by ClinVar (database versions not stated): gnomAD 0.00001 and 0.00003; gnomAD exomes 0.00003; TOPMed 0.00003; 1000 Genomes Project 30x 0.00016; 1000 Genomes Project 0.00020.
gnomAD v4.1: 18 of 822,940 alleles (0.0022%); highest among the groups gnomAD compares: South Asian, 0.0061%; no homozygotes.

Submission:

Human Evolutionary Genetics, Institut Pasteur
No classification provided. Review status: no classification provided. Collection method: not provided. Allele origin: germline.
ClinVar note: Converted during submission from untested to not provided.